The following is an entry in ClinVar:

ClinVar aggregate classification (germline): Uncertain significance. Review status: criteria provided, multiple submitters, no conflicts (2 of 4 stars). 2 submissions from 2 submitters: Uncertain significance (2). Last evaluated 2026-02-01.

Conditions:
Atypical hemolytic-uremic syndrome. Identifiers: Orphanet 2134, MedGen C2931788, MONDO:0016244.

Allele frequency attached by ClinVar (database versions not stated): ESP Exome Variant Server 0.00008; gnomAD 0.00009 and 0.00010; TOPMed 0.00009.

Submissions (2):

Labcorp Genetics (formerly Invitae), Labcorp
Classification: Uncertain significance. Last evaluated: 2026-02-01. Review status: criteria provided, single submitter. Criteria: Invitae Variant Classification Sherloc (09022015). Collection method: clinical testing. Allele origin: germline.
Comment: This sequence change replaces proline, which is neutral and non-polar, with serine, which is neutral and polar, at codon 193 of the CD46 protein (p.Pro193Ser). This variant is present in population databases (rs371473734, gnomAD 0.01%). This variant has not been reported in the literature in individuals affected with CD46-related conditions. ClinVar contains an entry for this variant (Variation ID: 1470094). Invitae Evidence Modeling of protein sequence and biophysical properties (such as structural, functional, and spatial information, amino acid conservation, physicochemical variation, residue mobility, and thermodynamic stability) indicates that this missense variant is not expected to disrupt CD46 protein function with a negative predictive value of 80%. Experimental studies have shown that this missense change does not substantially affect CD46 function (PMID: 23508668). In summary, the available evidence is currently insufficient to determine the role of this variant in disease. Therefore, it has been classified as a Variant of Uncertain Significance.

Genomenon, Inc
Classification: Uncertain significance for Atypical hemolytic-uremic syndrome. Last evaluated: 2025-10-02. Review status: criteria provided, single submitter. Criteria: Genomenon Sequence Variant Interpretation Standards. Collection method: curation. Allele origin: germline. Affected: no.
Comment: CD46 p.Pro193Ser (c.577C>T) is a missense variant that changes the amino acid at residue 193 from Proline to Serine. This variant has been reported in the published literature (PMID:23508668;26054645;27959629;34004375). It is absent or not present at a significant frequency in gnomAD. In silico models agree that this variant is not damaging. In conclusion, we classify CD46 p.Pro193Ser (c.577C>T) as a variant of uncertain significance.

Literature cited by the submitters: PubMed 23508668 (cited by Labcorp Genetics (formerly Invitae), Labcorp and Genomenon, Inc); PubMed 26054645 (cited by Genomenon, Inc); PubMed 27959629 (cited by Genomenon, Inc); PubMed 34004375 (cited by Genomenon, Inc).

NM_172351.3(CD46):c.577C>T (p.Pro193Ser)

Gene: CD46 (CD46 molecule; plus strand). Cytogenetic location: 1q32.2.
Variant type: single nucleotide variant.
Coding change: c.577C>T on transcript NM_172351.3 (MANE Select); coding-DNA position 577, C replaced by T.
Protein change: p.Pro193Ser; replaces proline 193 with serine.
Molecular consequence: missense variant.
Genome position (GRCh38, 1-based): chr1:207,761,350, C>T. VCF-style: chr1-207761350-C-T. GRCh37 (hg19) VCF-style: chr1-207934695-C-T.
Other names: c.577C>T, p.Pro193Ser (NM_002389.4, NM_153826.4, NM_172350.3 and 8 more transcripts); short protein forms P193S.
Identifiers: ClinVar variation 1470094 (VCV001470094.7), dbSNP rs371473734, ClinGen allele CA1371680.
Genomic context (GRCh38, chr1:207,761,350, plus strand): 5'-CACACCTTTAGTGAAGTAGAAGTATTTGAGTATCTTGATGCAGTAACTTATAGTTGTGAT[C>T]CTGCACCTGGACCAGATCCATTTTCACTTATTGGAGAGAGCACGATTTATTGTGGTGACA-3'
Protein context (NP_758861.1, residues 183-203): YLDAVTYSCD[Pro193Ser]APGPDPFSLI